The following is an entry in ClinVar:

ClinVar aggregate classification (germline): Benign. Review status: criteria provided, multiple submitters, no conflicts (2 of 4 stars). 7 submissions from 7 submitters: Benign (7). Last evaluated 2026-02-04.

Conditions:
Cone-rod dystrophy 5 (CORD5). Identifiers: Orphanet 1872, MedGen C1832976, MONDO:0010969, OMIM 600977.

Allele frequency attached by ClinVar (database versions not stated): gnomAD 0.50749 and 0.50380; ESP Exome Variant Server 0.51638; 1000 Genomes Project 30x 0.38523; ExAC 0.52774; gnomAD exomes 0.53006 and 0.58983; 1000 Genomes Project 0.38239; TOPMed 0.48958.
gnomAD v4.1: 937,472 of 1,613,450 alleles (58%); highest among the groups gnomAD compares: Non-Finnish European, 63%; 281,443 homozygotes.

Submissions (7):

Labcorp Genetics (formerly Invitae), Labcorp
Classification: Benign. Last evaluated: 2026-02-04. Review status: criteria provided, single submitter. Criteria: Invitae Variant Classification Sherloc (09022015). Collection method: clinical testing. Allele origin: germline.

Genome-Nilou Lab
Classification: Benign for Cone-rod dystrophy 5. Last evaluated: 2021-09-05. Review status: criteria provided, single submitter. Criteria: ACMG Guidelines, 2015. Collection method: clinical testing. Allele origin: germline. Affected: no.

GeneDx
Classification: Benign. Last evaluated: 2018-04-26. Review status: criteria provided, single submitter. Criteria: GeneDx Variant Classification (06012015). Collection method: clinical testing. Allele origin: germline. Affected: yes.
Comment: This variant is considered likely benign or benign based on one or more of the following criteria: it is a conservative change, it occurs at a poorly conserved position in the protein, it is predicted to be benign by multiple in silico algorithms, and/or has population frequency not consistent with disease.

Illumina Laboratory Services, Illumina
Classification: Benign for Cone-rod dystrophy 5. Last evaluated: 2018-01-13. Review status: criteria provided, single submitter. Criteria: ICSL Variant Classification Criteria 13 December 2019. Collection method: clinical testing. Allele origin: germline.
Comment: This variant was observed in the ICSL laboratory as part of a predisposition screen in an ostensibly healthy population. It had not been previously curated by ICSL or reported in the Human Gene Mutation Database (HGMD: prior to June 1st, 2018), and was therefore a candidate for classification through an automated scoring system. Utilizing variant allele frequency, disease prevalence and penetrance estimates, and inheritance mode, an automated score was calculated to assess if this variant is too frequent to cause the disease. Based on the score and internal cut-off values, a variant classified as benign is not then subjected to further curation. The score for this variant resulted in a classification of benign for this disease.

Eurofins Ntd Llc (ga)
Classification: Benign. Last evaluated: 2016-05-24. Review status: criteria provided, single submitter. Criteria: EGL Classification Definitions 2015. Collection method: clinical testing. Allele origin: germline. Observed: 1 variant allele, 1 heterozygote.

Breakthrough Genomics
Classification: Benign. Review status: criteria provided, single submitter. Criteria: ACMG Guidelines, 2015. Collection method: not provided. Allele origin: germline. Inheritance: Autosomal dominant inheritance. Affected: yes.

PreventionGenetics, part of Exact Sciences
Classification: Benign. Review status: criteria provided, single submitter. Criteria: ACMG Guidelines, 2015. Collection method: clinical testing. Allele origin: germline.

NM_031220.4(PITPNM3):c.705C>T (p.Thr235=)

Gene: PITPNM3 (PITPNM family member 3; minus strand). Cytogenetic location: 17p13.2.
Variant type: single nucleotide variant.
Coding change: c.705C>T on transcript NM_031220.4 (MANE Select); coding-DNA position 705, C replaced by T.
Protein change: p.Thr235=; no amino-acid change (threonine 235 retained).
Molecular consequence: synonymous variant.
Genome position (GRCh38, 1-based): chr17:6,478,619, G>A on the plus strand (C>T on the coding strand, the complement: PITPNM3 is on the minus strand). VCF-style: chr17-6478619-G-A. GRCh37 (hg19) VCF-style: chr17-6381939-G-A.
Other names: c.597C>T, p.Thr199= (NM_001165966.2).
Identifiers: ClinVar variation 261951 (VCV000261951.21), dbSNP rs938288, ClinGen allele CA8329766.
Genomic context (GRCh38, chr17:6,478,619, plus strand): 5'-GCCAATCCCATCAGAGGACTTCAGGAACTCTCTGTAGACCTGGTTGGCTCGCTCGATGAC[G>A]GTGGCGACAGCATCCTGGTACTGCGGGGAGGAGATGGCCAACAGGGGAAGGGCGGCCAGA-3'
Protein context (NP_112497.2, residues 225-245): SSPQYQDAVA[Thr235=]VIERANQVYR